The following is an entry in ClinVar:

NM_138773.4(SLC25A46):c.278G>A (p.Ser93Asn)

Gene: SLC25A46 (solute carrier family 25 member 46; plus strand). Cytogenetic location: 5q22.1.
Variant type: single nucleotide variant.
Coding change: c.278G>A on transcript NM_138773.4 (MANE Select); coding-DNA position 278, G replaced by A.
Protein change: p.Ser93Asn; replaces serine 93 with asparagine.
Molecular consequence: missense variant. On other transcripts: non-coding transcript variant (1), intron variant (1).
Genome position (GRCh38, 1-based): chr5:110,739,397, G>A. VCF-style: chr5-110739397-G-A. GRCh37 (hg19) VCF-style: chr5-110075098-G-A.
Other names: c.278G>A (NM_138773.3); c.278G>A, p.Ser93Asn (NM_001303249.3); c.10+1150G>A (NM_001303250.3); short protein forms S93N.
Identifiers: ClinVar variation 706462 (VCV000706462.25), dbSNP rs73230112, ClinGen allele CA3364511.

ClinVar aggregate classification (germline): Likely benign. Review status: criteria provided, multiple submitters, no conflicts (2 of 4 stars). 7 submissions from 7 submitters: Likely benign (6). 1 of the submissions does not count toward it. Last evaluated 2026-01-13.

Conditions:
Neuropathy, hereditary motor and sensory, type 6B (HMSN6B). Also called: NEUROPATHY, HEREDITARY MOTOR AND SENSORY, TYPE VIB, WITH OPTIC ATROPHY; Neuropathy, hereditary motor and sensory, type VIB; HMSN VIB; CHARCOT-MARIE-TOOTH DISEASE, TYPE 6B. Identifiers: MedGen C4225302, MONDO:0014671, OMIM 616505.
SLC25A46-related disorder. Also called: SLC25A46-related condition.
Inborn genetic diseases. Identifiers: MedGen C0950123, MeSH D030342.

Allele frequency attached by ClinVar (database versions not stated): gnomAD exomes 0.00012 and 0.00028; ExAC 0.00058; 1000 Genomes Project 0.00120; 1000 Genomes Project 30x 0.00125; ESP Exome Variant Server 0.00125; TOPMed 0.00151; gnomAD 0.00159 and 0.00170.
gnomAD v4.1: 405 of 1,543,156 alleles (0.026%); highest among the groups gnomAD compares: African/African-American, 0.51%; 1 homozygote.

Submissions (7):

Labcorp Genetics (formerly Invitae), Labcorp
Classification: Likely benign for Neuropathy, hereditary motor and sensory, type 6B. Last evaluated: 2026-01-13. Review status: criteria provided, single submitter. Criteria: Invitae Variant Classification Sherloc (09022015). Collection method: clinical testing. Allele origin: germline.

Women's Health and Genetics/Laboratory Corporation of America, LabCorp
Classification: Likely benign. Last evaluated: 2025-07-21. Review status: criteria provided, single submitter. Criteria: LabCorp Variant Classification Summary - May 2015. Collection method: clinical testing. Allele origin: germline.
Comment: Variant summary: SLC25A46 c.278G>A (p.Ser93Asn) results in a conservative amino acid change in the encoded protein sequence. Algorithms developed to predict the effect of missense changes on protein structure and function are either unavailable or do not agree on the potential impact of this missense change. The variant allele was found at a frequency of 0.00028 in 146694 control chromosomes, predominantly at a frequency of 0.0039 within the African or African-American subpopulation in the gnomAD database, including 1 homozygote. The observed variant frequency within African or African-American control individuals in the gnomAD database is approximately 3.5 fold of the estimated maximal expected allele frequency for a pathogenic variant in SLC25A46 causing a hereditary motor and sensory neuropathy, type 6B phenotype (0.0011). To our knowledge, no occurrence of c.278G>A in individuals affected with hereditary motor and sensory neuropathy, type 6B and no experimental evidence demonstrating its impact on protein function have been reported. ClinVar contains an entry for this variant (Variation ID: 706462). Based on the evidence outlined above, the variant was classified as likely benign.

CeGaT Center for Human Genetics Tuebingen
Classification: Likely benign. Last evaluated: 2025-04-01. Review status: criteria provided, single submitter. Criteria: CeGaT Center For Human Genetics Tuebingen Variant Classification Criteria Version 2. Collection method: clinical testing. Allele origin: germline. Affected: yes. Observed: 1 variant allele.
Comment: SLC25A46: BS2

Blueprint Genetics
Classification: Likely benign. Last evaluated: 2023-09-08. Review status: criteria provided, single submitter. Criteria: ACMG Guidelines, 2015. Collection method: clinical testing. Allele origin: germline.

GeneDx
Classification: Likely benign. Last evaluated: 2021-02-22. Review status: criteria provided, single submitter. Criteria: GeneDx Variant Classification Process June 2021. Collection method: clinical testing. Allele origin: germline. Affected: yes.

Ambry Genetics
Classification: Likely benign for Inborn genetic diseases. Last evaluated: 2020-08-08. Review status: criteria provided, single submitter. Criteria: Ambry Variant Classification Scheme 2023. Collection method: clinical testing. Allele origin: germline.

PreventionGenetics, part of Exact Sciences
Classification: Likely benign for SLC25A46-related condition. Last evaluated: 2024-08-19. Review status: no assertion criteria provided. Collection method: clinical testing. Allele origin: germline. Not counted in ClinVar's aggregate classification.
Comment: This variant is classified as likely benign based on ACMG/AMP sequence variant interpretation guidelines (Richards et al. 2015 PMID: 25741868, with internal and published modifications).